The following is an entry in ClinVar:

ClinVar aggregate classification (germline): Likely benign (1 of 4 stars; one submission).

Submission:

CeGaT Center for Human Genetics Tuebingen
Classification: Likely benign. Last evaluated: 2024-05-01. Review status: criteria provided, single submitter. Criteria: CeGaT Center For Human Genetics Tuebingen Variant Classification Criteria Version 2. Collection method: clinical testing. Allele origin: germline. Affected: yes. Observed: 3 variant alleles.
Comment: BRD4: BP4, BP7

NM_001379291.1(BRD4):c.756A>C (p.Pro252=)

Gene: BRD4 (bromodomain containing 4; minus strand). Cytogenetic location: 19p13.12.
Variant type: single nucleotide variant.
Coding change: c.756A>C on transcript NM_001379291.1 (MANE Select); coding-DNA position 756, A replaced by C.
Protein change: p.Pro252=; no amino-acid change (proline 252 retained).
Molecular consequence: synonymous variant.
Genome position (GRCh38, 1-based): chr19:15,265,447, T>G on the plus strand (A>C on the coding strand, the complement: BRD4 is on the minus strand). VCF-style: chr19-15265447-T-G. GRCh37 (hg19) VCF-style: chr19-15376258-T-G.
Other names: c.756A>C, p.Pro252= (NM_001330384.2, NM_001379292.1, NM_014299.3 and 1 more transcripts).
Identifiers: ClinVar variation 2649490 (VCV002649490.24), dbSNP rs986805045, ClinGen allele CA505808962.